The following is an entry in ClinVar:

NM_001349253.2(SCN11A):c.121A>G (p.Lys41Glu)

Gene: SCN11A (sodium voltage-gated channel alpha subunit 11; minus strand). Cytogenetic location: 3p22.2.
Variant type: single nucleotide variant.
Coding change: c.121A>G on transcript NM_001349253.2 (MANE Select); coding-DNA position 121, A replaced by G.
Protein change: p.Lys41Glu; replaces lysine 41 with glutamic acid.
Molecular consequence: missense variant.
Genome position (GRCh38, 1-based): chr3:38,950,242, T>C on the plus strand (A>G on the coding strand, the complement: SCN11A is on the minus strand). VCF-style: chr3-38950242-T-C. GRCh37 (hg19) VCF-style: chr3-38991733-T-C.
Other names: c.121A>G, p.Lys41Glu (NM_014139.3); short protein forms K41E.
Identifiers: ClinVar variation 948666 (VCV000948666.7), dbSNP rs1305437844, ClinGen allele CA352176760.
Genomic context (GRCh38, chr3:38,950,242, plus strand): 5'-TCCTGGAGGCCTTTAGGTCAAGCTGAGGCCGAGGCTGGGGTACTTCTCCTGTCTGGTCTT[T>C]AGACTTCTTTTTCTCCTTTTGGATGGCAATCCGCTTCTCAATTGCAGCCAGAGAGTCGGA-3'
Protein context (NP_001336182.1, residues 31-51): IAIQKEKKKS[Lys41Glu]DQTGEVPQPR

ClinVar aggregate classification (germline): Uncertain significance. Review status: criteria provided, multiple submitters, no conflicts (2 of 4 stars). 2 submissions from 2 submitters: Uncertain significance (2). Last evaluated 2024-08-14.

Conditions:
Inborn genetic diseases. Identifiers: MedGen C0950123, MeSH D030342.
Familial episodic pain syndrome with predominantly lower limb involvement. Also called: Episodic pain syndrome, familial, 3. Identifiers: Orphanet 391384, Orphanet 391392, MedGen C3809899, MONDO:0014247, OMIM 615552.
Hereditary sensory and autonomic neuropathy type 7. Also called: HSAN VII; Neuropathy, hereditary sensory and autonomic, type VII. Identifiers: Orphanet 391397, MedGen C3809882, MONDO:0014244, OMIM 615548.

Allele frequency attached by ClinVar (database versions not stated): gnomAD exomes below 0.00001; TOPMed 0.00001.
gnomAD v4.1: 9 of 1,614,032 alleles (0.00056%); highest among the groups gnomAD compares: Middle Eastern, 0.033%; no homozygotes.

Submissions (2):

Ambry Genetics
Classification: Uncertain significance for Inborn genetic diseases. Last evaluated: 2024-08-14. Review status: criteria provided, single submitter. Criteria: Ambry Variant Classification Scheme 2023. Collection method: clinical testing. Allele origin: germline.

Labcorp Genetics (formerly Invitae), Labcorp
Classification: Uncertain significance for Familial episodic pain syndrome with predominantly lower limb involvement; Hereditary sensory and autonomic neuropathy type 7. Last evaluated: 2024-02-22. Review status: criteria provided, single submitter. Criteria: Invitae Variant Classification Sherloc (09022015). Collection method: clinical testing. Allele origin: germline.
Comment: This sequence change replaces lysine, which is basic and polar, with glutamic acid, which is acidic and polar, at codon 41 of the SCN11A protein (p.Lys41Glu). This variant is present in population databases (no rsID available, gnomAD 0.003%). This variant has not been reported in the literature in individuals affected with SCN11A-related conditions. ClinVar contains an entry for this variant (Variation ID: 948666). Advanced modeling of protein sequence and biophysical properties (such as structural, functional, and spatial information, amino acid conservation, physicochemical variation, residue mobility, and thermodynamic stability) performed at Invitae indicates that this missense variant is not expected to disrupt SCN11A protein function with a negative predictive value of 80%. In summary, the available evidence is currently insufficient to determine the role of this variant in disease. Therefore, it has been classified as a Variant of Uncertain Significance.